The following is an entry in ClinVar:

ClinVar aggregate classification (germline): Uncertain significance (1 of 4 stars; one submission).

Allele frequency attached by ClinVar (database versions not stated): gnomAD exomes below 0.00001.
gnomAD v4.1: 1 of 1,609,274 alleles (0.000062%); highest among the groups gnomAD compares: South Asian, 0.0011%; no homozygotes.

Submission:

Labcorp Genetics (formerly Invitae), Labcorp
Classification: Uncertain significance. Last evaluated: 2021-06-17. Review status: criteria provided, single submitter. Criteria: Invitae Variant Classification Sherloc (09022015). Collection method: clinical testing. Allele origin: germline.
Comment: This sequence change replaces arginine with leucine at codon 59 of the AGBL5 protein (p.Arg59Leu). The arginine residue is moderately conserved and there is a moderate physicochemical difference between arginine and leucine. This variant is not present in population databases (ExAC no frequency). This variant has not been reported in the literature in individuals with AGBL5-related conditions. Algorithms developed to predict the effect of missense changes on protein structure and function (SIFT, PolyPhen-2, Align-GVGD) all suggest that this variant is likely to be tolerated, but these predictions have not been confirmed by published functional studies and their clinical significance is uncertain. In summary, the available evidence is currently insufficient to determine the role of this variant in disease. Therefore, it has been classified as a Variant of Uncertain Significance.

NM_021831.6(AGBL5):c.176G>T (p.Arg59Leu)

Gene: AGBL5 (AGBL carboxypeptidase 5; plus strand). Cytogenetic location: 2p23.3.
Variant type: single nucleotide variant.
Coding change: c.176G>T on transcript NM_021831.6 (MANE Select); coding-DNA position 176, G replaced by T.
Protein change: p.Arg59Leu; replaces arginine 59 with leucine.
Molecular consequence: missense variant. On other transcripts: non-coding transcript variant (2).
Genome position (GRCh38, 1-based): chr2:27,053,134, G>T. VCF-style: chr2-27053134-G-T. GRCh37 (hg19) VCF-style: chr2-27276002-G-T.
Other names: c.176G>T, p.Arg59Leu (NM_001035507.3); short protein forms R59L.
Identifiers: ClinVar variation 1521993 (VCV001521993.8), dbSNP rs909236165, ClinGen allele CA346167805.